The following is an entry in ClinVar:

ClinVar aggregate classification (germline): Uncertain significance (1 of 4 stars; one submission).

Submission:

Labcorp Genetics (formerly Invitae), Labcorp
Classification: Uncertain significance. Last evaluated: 2024-05-26. Review status: criteria provided, single submitter. Criteria: Invitae Variant Classification Sherloc (09022015). Collection method: clinical testing. Allele origin: germline.
Comment: This sequence change replaces serine, which is neutral and polar, with leucine, which is neutral and non-polar, at codon 251 of the ARHGEF10 protein (p.Ser251Leu). This variant is present in population databases (rs144004435, gnomAD 0.07%), and has an allele count higher than expected for a pathogenic variant. This variant has not been reported in the literature in individuals affected with ARHGEF10-related conditions. Advanced modeling of protein sequence and biophysical properties (such as structural, functional, and spatial information, amino acid conservation, physicochemical variation, residue mobility, and thermodynamic stability) performed at Invitae indicates that this missense variant is not expected to disrupt ARHGEF10 protein function with a negative predictive value of 80%. In summary, the available evidence is currently insufficient to determine the role of this variant in disease. Therefore, it has been classified as a Variant of Uncertain Significance.

NM_014629.4(ARHGEF10):c.752C>T (p.Ser251Leu)

Gene: ARHGEF10 (Rho guanine nucleotide exchange factor 10; plus strand). Cytogenetic location: 8p23.3.
Variant type: single nucleotide variant.
Coding change: c.752C>T on transcript NM_014629.4 (MANE Select); coding-DNA position 752, C replaced by T.
Protein change: p.Ser251Leu; replaces serine 251 with leucine.
Molecular consequence: missense variant.
Genome position (GRCh38, 1-based): chr8:1,876,643, C>T. VCF-style: chr8-1876643-C-T. GRCh37 (hg19) VCF-style: chr8-1824809-C-T.
Other names: c.755C>T, p.Ser252Leu (NM_001308152.2, NM_001308153.3); short protein forms S251L, S252L, S276L.
Identifiers: ClinVar variation 3612125 (VCV003612125.2).
Genomic context (GRCh38, chr8:1,876,643, plus strand): 5'-ATGATGATGTTGAGAATGGGGATGAAGGTGGAAACAGCTCCTTGGAATACGGATGGAGTT[C>T]GAGTGAATTTGAAAGTTACGAAGAGCAGAGTGACTCGGAGTGCAAGAATGGGATTCCCAG-3'
Protein context (NP_055444.2, residues 241-261): GNSSLEYGWS[Ser251Leu]SEFESYEEQS